The following is an entry in ClinVar:

NM_001370100.5(ZMYND11):c.1427A>G (p.Asn476Ser)

Genes: ZMYND11 (zinc finger MYND-type containing 11; plus strand), LOC126860802 (BRD4-independent group 4 enhancer GRCh37_chr10:294268-295467; plus strand). Cytogenetic location: 10p15.3.
Variant type: single nucleotide variant.
Coding change: c.1427A>G on transcript NM_001370100.5 (MANE Select); coding-DNA position 1427, A replaced by G.
Protein change: p.Asn476Ser; replaces asparagine 476 with serine.
Molecular consequence: missense variant. On other transcripts: non-coding transcript variant (1).
Genome position (GRCh38, 1-based): chr10:248,535, A>G. VCF-style: chr10-248535-A-G. GRCh37 (hg19) VCF-style: chr10-294475-A-G.
Other names: c.1427A>G, p.Asn476Ser (NM_001161482.1, NM_001202468.1, NM_001370097.3 and 5 more transcripts); c.1265A>G, p.Asn422Ser (NM_001202464.3, NM_001202467.1, NM_001370103.2 and 6 more transcripts); c.1172A>G, p.Asn391Ser (NM_001202465.3, NM_001370110.2); c.1262A>G, p.Asn421Ser (NM_001202466.3, NM_001370111.2); c.1376A>G, p.Asn459Ser (NM_001330057.3, NM_001370112.2); c.1199A>G, p.Asn400Ser (NM_001370120.2); c.1145A>G, p.Asn382Ser (NM_001370121.2); c.1121A>G, p.Asn374Ser (NM_001370122.2); and 9 more; short protein forms N319S, N357S, N391S, N421S, N454S, N459S, N382S, N422S.
Identifiers: ClinVar variation 2869818 (VCV002869818.4), dbSNP rs369274615, ClinGen allele CA5379239.

ClinVar aggregate classification (germline): Uncertain significance. Review status: criteria provided, multiple submitters, no conflicts (2 of 4 stars). 2 submissions from 2 submitters: Uncertain significance (2). Last evaluated 2025-09-30.

Conditions:
Inborn genetic diseases. Identifiers: MedGen C0950123, MeSH D030342.

Allele frequency attached by ClinVar (database versions not stated): ExAC 0.00002; ESP Exome Variant Server 0.00008; gnomAD exomes 0.00001; gnomAD 0.00002; TOPMed 0.00005; 1000 Genomes Project 30x 0.00016; 1000 Genomes Project 0.00020.
gnomAD v4.1: 15 of 1,614,070 alleles (0.00093%); highest among the groups gnomAD compares: South Asian, 0.0033%; no homozygotes.

Submissions (2):

Ambry Genetics
Classification: Uncertain significance for Inborn genetic diseases. Last evaluated: 2025-09-30. Review status: criteria provided, single submitter. Criteria: Ambry Variant Classification Scheme 2023. Collection method: clinical testing. Allele origin: germline.

Labcorp Genetics (formerly Invitae), Labcorp
Classification: Uncertain significance. Last evaluated: 2025-07-27. Review status: criteria provided, single submitter. Criteria: Invitae Variant Classification Sherloc (09022015). Collection method: clinical testing. Allele origin: germline.
Comment: This sequence change replaces asparagine, which is neutral and polar, with serine, which is neutral and polar, at codon 476 of the ZMYND11 protein (p.Asn476Ser). This variant is present in population databases (rs369274615, gnomAD 0.007%). This variant has not been reported in the literature in individuals affected with ZMYND11-related conditions. ClinVar contains an entry for this variant (Variation ID: 2869818). Invitae Evidence Modeling of protein sequence and biophysical properties (such as structural, functional, and spatial information, amino acid conservation, physicochemical variation, residue mobility, and thermodynamic stability) indicates that this missense variant is not expected to disrupt ZMYND11 protein function with a negative predictive value of 80%. In summary, the available evidence is currently insufficient to determine the role of this variant in disease. Therefore, it has been classified as a Variant of Uncertain Significance.